The following is an entry in ClinVar:

NM_004364.5(CEBPA):c.333G>C (p.Ala111=)

Gene: CEBPA (CCAAT enhancer binding protein alpha; minus strand). Cytogenetic location: 19q13.11.
Variant type: single nucleotide variant.
Coding change: c.333G>C on transcript NM_004364.5 (MANE Select); coding-DNA position 333, G replaced by C.
Protein change: p.Ala111=; no amino-acid change (alanine 111 retained).
Molecular consequence: synonymous variant. On other transcripts: 5 prime UTR variant (1).
Genome position (GRCh38, 1-based): chr19:33,302,082, C>G on the plus strand (G>C on the coding strand, the complement: CEBPA is on the minus strand). VCF-style: chr19-33302082-C-G. GRCh37 (hg19) VCF-style: chr19-33792988-C-G.
Other names: c.-25G>C (NM_001285829.2); c.438G>C, p.Ala146= (NM_001287424.2); c.291G>C, p.Ala97= (NM_001287435.2).
Identifiers: ClinVar variation 3035999 (VCV003035999.3), dbSNP rs2145262901, ClinGen allele CA507007248.

ClinVar aggregate classification (germline): Likely benign. Review status: criteria provided, single submitter (1 of 4 stars). 2 submissions from 2 submitters: Likely benign (1). 1 of the submissions does not count toward it. Last evaluated 2025-02-02.

Conditions:
Inborn genetic diseases. Identifiers: MedGen C0950123, MeSH D030342.
CEBPA-related disorder. Also called: CEBPA-related condition.

Submissions (2):

Ambry Genetics
Classification: Likely benign for Inborn genetic diseases. Last evaluated: 2025-02-02. Review status: criteria provided, single submitter. Criteria: Ambry Variant Classification Scheme 2023. Collection method: clinical testing. Allele origin: germline.

PreventionGenetics, part of Exact Sciences
Classification: Likely benign for CEBPA-related condition. Last evaluated: 2021-11-03. Review status: no assertion criteria provided. Collection method: clinical testing. Allele origin: germline. Not counted in ClinVar's aggregate classification.
Comment: This variant is classified as likely benign based on ACMG/AMP sequence variant interpretation guidelines (Richards et al. 2015 PMID: 25741868, with internal and published modifications).